The following is an entry in ClinVar:

NM_031935.3(HMCN1):c.1778T>C (p.Val593Ala)

Gene: HMCN1 (hemicentin 1; plus strand). Cytogenetic location: 1q31.1.
Variant type: single nucleotide variant.
Coding change: c.1778T>C on transcript NM_031935.3 (MANE Select); coding-DNA position 1778, T replaced by C.
Protein change: p.Val593Ala; replaces valine 593 with alanine.
Molecular consequence: missense variant.
Genome position (GRCh38, 1-based): chr1:185,933,774, T>C. VCF-style: chr1-185933774-T-C. GRCh37 (hg19) VCF-style: chr1-185902906-T-C.
Other names: short protein forms V593A.
Identifiers: ClinVar variation 2799844 (VCV002799844.3), dbSNP rs2527155169, ClinGen allele CA343868677.

ClinVar aggregate classification (germline): Uncertain significance (1 of 4 stars; one submission).

Submission:

Labcorp Genetics (formerly Invitae), Labcorp
Classification: Uncertain significance. Last evaluated: 2023-09-19. Review status: criteria provided, single submitter. Criteria: Invitae Variant Classification Sherloc (09022015). Collection method: clinical testing. Allele origin: germline.
Comment: This sequence change replaces valine, which is neutral and non-polar, with alanine, which is neutral and non-polar, at codon 593 of the HMCN1 protein (p.Val593Ala). This variant is not present in population databases (gnomAD no frequency). This variant has not been reported in the literature in individuals affected with HMCN1-related conditions. Algorithms developed to predict the effect of missense changes on protein structure and function output the following: SIFT: "Not Available"; PolyPhen-2: "Benign"; Align-GVGD: "Not Available". The alanine amino acid residue is found in multiple mammalian species, which suggests that this missense change does not adversely affect protein function. In summary, the available evidence is currently insufficient to determine the role of this variant in disease. Therefore, it has been classified as a Variant of Uncertain Significance.